The following is an entry in ClinVar:

NM_032808.7(LINGO1):c.1635C>A (p.Arg545=)

Gene: LINGO1 (leucine rich repeat and Ig domain containing 1; minus strand). Cytogenetic location: 15q24.3.
Variant type: single nucleotide variant.
Coding change: c.1635C>A on transcript NM_032808.7 (MANE Select); coding-DNA position 1635, C replaced by A.
Protein change: p.Arg545=; no amino-acid change (arginine 545 retained).
Molecular consequence: synonymous variant.
Genome position (GRCh38, 1-based): chr15:77,614,272, G>T on the plus strand (C>A on the coding strand, the complement: LINGO1 is on the minus strand). VCF-style: chr15-77614272-G-T. GRCh37 (hg19) VCF-style: chr15-77906614-G-T.
Other names: c.1617C>A, p.Arg539= (NM_001301186.2, NM_001301187.2, NM_001301189.2 and 8 more transcripts).
Identifiers: ClinVar variation 2645592 (VCV002645592.24), dbSNP rs369774840, ClinGen allele CA491507457.
Genomic context (GRCh38, chr15:77,614,272, plus strand): 5'-GAAGCCCATGGTGGTGGCGATGATGAGGGTCTTGATGTCGAAGGGGAAAGGCACAGTGGC[G>T]CGGGTGCTGTTGGCCTCTCCCTCGCCCGGCTGGTTGGAGATGAAAGCGAAGGTCTTGTTG-3'
Protein context (NP_116197.4, residues 535-555): QPGEGEANST[Arg545=]ATVPFPFDIK

ClinVar aggregate classification (germline): Likely benign (1 of 4 stars; one submission).

gnomAD v4.1: 8 of 1,613,948 alleles (0.0005%); highest among the groups gnomAD compares: Non-Finnish European, 0.00068%; no homozygotes.

Submission:

CeGaT Center for Human Genetics Tuebingen
Classification: Likely benign. Last evaluated: 2023-07-01. Review status: criteria provided, single submitter. Criteria: CeGaT Center For Human Genetics Tuebingen Variant Classification Criteria Version 2. Collection method: clinical testing. Allele origin: germline. Affected: yes. Observed: 1 variant allele.
Comment: LINGO1: BP4, BP7